The following is an entry in ClinVar:

ClinVar aggregate classification (germline): Uncertain significance (1 of 4 stars; one submission).

Conditions:
Spastic paraplegia. Identifiers: MedGen C0037772, HP:0001258.

Submission:

Labcorp Genetics (formerly Invitae), Labcorp
Classification: Uncertain significance for Spastic paraplegia. Last evaluated: 2025-10-15. Review status: criteria provided, single submitter. Criteria: Invitae Variant Classification Sherloc (09022015). Collection method: clinical testing. Allele origin: germline.
Comment: This sequence change replaces lysine, which is basic and polar, with asparagine, which is neutral and polar, at codon 787 of the L1CAM protein (p.Lys787Asn). This variant is not present in population databases (gnomAD no frequency). This variant has not been reported in the literature in individuals affected with L1CAM-related conditions. Invitae Evidence Modeling of protein sequence and biophysical properties (such as structural, functional, and spatial information, amino acid conservation, physicochemical variation, residue mobility, and thermodynamic stability) indicates that this missense variant is not expected to disrupt L1CAM protein function with a negative predictive value of 95%. In summary, the available evidence is currently insufficient to determine the role of this variant in disease. Therefore, it has been classified as a Variant of Uncertain Significance.

NM_001278116.2(L1CAM):c.2361A>T (p.Lys787Asn)

Gene: L1CAM (L1 cell adhesion molecule; minus strand). Cytogenetic location: Xq28.
Variant type: single nucleotide variant.
Coding change: c.2361A>T on transcript NM_001278116.2 (MANE Select); coding-DNA position 2361, A replaced by T.
Protein change: p.Lys787Asn; replaces lysine 787 with asparagine.
Molecular consequence: missense variant.
Genome position (GRCh38, 1-based): chrX:153,866,719, T>A on the plus strand (A>T on the coding strand, the complement: L1CAM is on the minus strand). VCF-style: chrX-153866719-T-A. GRCh37 (hg19) VCF-style: chrX-153132174-T-A.
Other names: c.2361A>T, p.Lys787Asn (NM_000425.5, NM_024003.3); c.2346A>T, p.Lys782Asn (NM_001143963.2); short protein forms K782N, K787N.
Identifiers: ClinVar variation 4802217 (VCV004802217.1).